The following is an entry in ClinVar:

ClinVar aggregate classification (germline): Uncertain significance (1 of 4 stars; one submission).

Conditions:
Congenital portosystemic shunt. Identifiers: Orphanet 480531, MedGen C1290495, MONDO:0018811.

gnomAD v4.1: 525 of 1,613,934 alleles (0.033%); highest among the groups gnomAD compares: East Asian, 0.78%; 3 homozygotes.

Submission:

Department of Pediatrics, Graduate School of Medical Sciences, Kyushu University
Classification: Uncertain significance for Congenital portosystemic shunt. Last evaluated: 2026-02-27. Review status: criteria provided, single submitter. Criteria: ACMG Guidelines, 2015. Collection method: research. Allele origin: germline. Affected: yes.
Comment: The variant is rare in population databases including gnomAD, and in silico prediction tools such as CADD suggest a deleterious effect on protein function. However, the relationship between this gene and CPSS has not been established. Therefore, this variant is classified as a variant of uncertain significance (VUS).

NM_001007467.3(SFI1):c.2176G>A (p.Glu726Lys)

Gene: SFI1 (SFI1 centrin binding protein; plus strand). Cytogenetic location: 22q12.2.
Variant type: single nucleotide variant.
Coding change: c.2176G>A on transcript NM_001007467.3 (MANE Select); coding-DNA position 2176, G replaced by A.
Protein change: p.Glu726Lys; replaces glutamic acid 726 with lysine.
Molecular consequence: missense variant.
Genome position (GRCh38, 1-based): chr22:31,607,955, G>A. VCF-style: chr22-31607955-G-A. GRCh37 (hg19) VCF-style: chr22-32003941-G-A.
Other names: c.1930G>A, p.Glu644Lys (NM_001258326.2); c.1894G>A, p.Glu632Lys (NM_001258327.2); c.2083G>A, p.Glu695Lys (NM_014775.4); c.2011G>A, p.Glu671Lys (NM_001258325.1); short protein forms E632K, E644K, E671K, E695K, E726K.
Identifiers: ClinVar variation 4813104 (VCV004813104.1).
Genomic context (GRCh38, chr22:31,607,955, plus strand): 5'-GGAGGTATAGTGACTCTTGCTGTGCTCCTTGCCTGCCCATAGGTCCTGGTCCAGTGGCGG[G>A]AAGCTGTGTCAGTGCAGATGTATTACCGACAGCAGGAGGACTGTGCCATCTGGGAGGCCC-3'
Protein context (NP_001007468.1, residues 716-736): ICSKVLVQWR[Glu726Lys]AVSVQMYYRQ